The following is an entry in ClinVar:

ClinVar aggregate classification (germline): Uncertain significance (1 of 4 stars; one submission).

Submission:

Labcorp Genetics (formerly Invitae), Labcorp
Classification: Uncertain significance. Last evaluated: 2022-02-09. Review status: criteria provided, single submitter. Criteria: Invitae Variant Classification Sherloc (09022015). Collection method: clinical testing. Allele origin: germline.
Comment: In summary, the available evidence is currently insufficient to determine the role of this variant in disease. Therefore, it has been classified as a Variant of Uncertain Significance. This variant has not been reported in the literature in individuals affected with MTOR-related conditions. This variant is not present in population databases (gnomAD no frequency). This sequence change replaces cysteine, which is neutral and slightly polar, with phenylalanine, which is neutral and non-polar, at codon 2546 of the MTOR protein (p.Cys2546Phe). Algorithms developed to predict the effect of missense changes on protein structure and function are either unavailable or do not agree on the potential impact of this missense change (SIFT: "Deleterious"; PolyPhen-2: "Probably Damaging"; Align-GVGD: "Class C0").

NM_004958.4(MTOR):c.7637G>T (p.Cys2546Phe)

Gene: MTOR (mechanistic target of rapamycin kinase; minus strand). Cytogenetic location: 1p36.22.
Variant type: single nucleotide variant.
Coding change: c.7637G>T on transcript NM_004958.4 (MANE Select); coding-DNA position 7637, G replaced by T.
Protein change: p.Cys2546Phe; replaces cysteine 2546 with phenylalanine.
Molecular consequence: missense variant.
Genome position (GRCh38, 1-based): chr1:11,107,498, C>A on the plus strand (G>T on the coding strand, the complement: MTOR is on the minus strand). VCF-style: chr1-11107498-C-A. GRCh37 (hg19) VCF-style: chr1-11167555-C-A.
Other names: c.7637G>T, p.Cys2546Phe (NM_001386500.1); c.6389G>T, p.Cys2130Phe (NM_001386501.1); short protein forms C2546F, C2130F.
Identifiers: ClinVar variation 2095355 (VCV002095355.4), dbSNP rs2100276124, ClinGen allele CA338377715.